The following is an entry in ClinVar:

NM_020778.5(ALPK3):c.205_206delinsA (p.Ala69fs)

Gene: ALPK3 (alpha kinase 3; plus strand). Cytogenetic location: 15q25.3.
Variant type: Indel.
Coding change: c.205_206delinsA on transcript NM_020778.5 (MANE Select); coding-DNA positions 205 to 206, GC replaced by A.
Protein change: p.Ala69fs; shifts the reading frame from alanine 69.
Molecular consequence: frameshift variant.
Genome position (GRCh38, 1-based): chr15:84,827,506-84,827,507, GC replaced by A. VCF-style: chr15-84827506-GC-A. GRCh37 (hg19) VCF-style: chr15-85370737-GC-A.
Other names: c.811_812delGCinsA (NM_020778.4); short protein forms A69fs.
Identifiers: ClinVar variation 4279956 (VCV004279956.2).

ClinVar aggregate classification (germline): Pathogenic (1 of 4 stars; one submission).

Conditions:
Primary dilated cardiomyopathy (DCM). Also called: Dilated Cardiomyopathy. Identifiers: Orphanet 217604, MedGen C0007193, MeSH D002311, MONDO:0005021, HP:0001644. Inheritance: Various modes of inheritance.
Hypertrophic cardiomyopathy. Also called: HYPERTROPHIC MYOCARDIOPATHY. Identifiers: Orphanet 217569, MedGen C0007194, MeSH D002312, MONDO:0005045, HP:0001639.
Cardiovascular phenotype. Identifiers: MedGen CN230736.

Submission:

Ambry Genetics
Classification: Pathogenic for Cardiovascular phenotype. Last evaluated: 2026-03-11. Review status: criteria provided, single submitter. Criteria: Ambry Variant Classification Scheme 2023. Collection method: clinical testing. Allele origin: germline.
Comment: The c.811_812delGCinsA pathogenic mutation, located in coding exon 3 of the ALPK3 gene, results from the deletion of two nucleotides and insertion of one nucleotide causing a translational frameshift with a predicted alternate stop codon (p.A271Ifs*40). This alteration is expected to result in loss of function by premature protein truncation or nonsense-mediated mRNA decay. As such, this alteration is interpreted as a disease-causing mutation.